The following is an entry in ClinVar:

NM_001164665.2(KIAA1549):c.2503G>A (p.Gly835Ser)

Gene: KIAA1549 (KIAA1549; minus strand). Cytogenetic location: 7q34.
Variant type: single nucleotide variant.
Coding change: c.2503G>A on transcript NM_001164665.2 (MANE Select); coding-DNA position 2503, G replaced by A.
Protein change: p.Gly835Ser; replaces glycine 835 with serine.
Molecular consequence: missense variant.
Genome position (GRCh38, 1-based): chr7:138,917,123, C>T on the plus strand (G>A on the coding strand, the complement: KIAA1549 is on the minus strand). VCF-style: chr7-138917123-C-T. GRCh37 (hg19) VCF-style: chr7-138601869-C-T.
Other names: c.2503G>A, p.Gly835Ser (NM_020910.3); short protein forms G835S.
Identifiers: ClinVar variation 3723628 (VCV003723628.2).
Genomic context (GRCh38, chr7:138,917,123, plus strand): 5'-TTGCTTCAGAAACAAACGAGGATCCTGATGGCAGGTACGCGTCAGTGATCAACACCGTAC[C>T]AGTGGGAATGGCTTTGGAGAAAGAGGCCAGGACAGACACGTGACCGTCTAGAGCACTGAT-3'
Protein context (NP_001158137.1, residues 825-845): LASFSKAIPT[Gly835Ser]TVLITDAYLP

ClinVar aggregate classification (germline): Uncertain significance (1 of 4 stars; one submission).

Submission:

Labcorp Genetics (formerly Invitae), Labcorp
Classification: Uncertain significance. Last evaluated: 2024-10-23. Review status: criteria provided, single submitter. Criteria: Invitae Variant Classification Sherloc (09022015). Collection method: clinical testing. Allele origin: germline.
Comment: This sequence change replaces glycine, which is neutral and non-polar, with serine, which is neutral and polar, at codon 835 of the KIAA1549 protein (p.Gly835Ser). This variant is not present in population databases (gnomAD no frequency). This missense change has been observed in individual(s) with retinitis pigmentosa (internal data). An algorithm developed to predict the effect of missense changes on protein structure and function outputs the following: PolyPhen-2: "Benign". The serine amino acid residue is found in multiple mammalian species, which suggests that this missense change does not adversely affect protein function. In summary, the available evidence is currently insufficient to determine the role of this variant in disease. Therefore, it has been classified as a Variant of Uncertain Significance.